The following is an entry in ClinVar:

ClinVar aggregate classification (germline): Uncertain significance (1 of 4 stars; one submission).

Conditions:
Jeune thoracic dystrophy. Also called: Jeune syndrome; Infantile thoracic dystrophy; Thoracic pelvic phalangeal dystrophy; Jeune's syndrome; Chondroectodermal dysplasia-like syndrome; Short-rib thoracic dysplasia. Identifiers: Orphanet 474, MedGen C0265275, MONDO:0018770.
Nephronophthisis. Also called: Juvenile Nephronophthisis. Identifiers: Orphanet 655, MedGen C0687120, MONDO:0019005, HP:0000090.

gnomAD v4.1: 1 of 1,608,028 alleles (0.000062%); highest among the groups gnomAD compares: Non-Finnish European, 0.000085%; no homozygotes.

Submission:

Labcorp Genetics (formerly Invitae), Labcorp
Classification: Uncertain significance for Jeune thoracic dystrophy; Nephronophthisis. Last evaluated: 2023-11-15. Review status: criteria provided, single submitter. Criteria: Invitae Variant Classification Sherloc (09022015). Collection method: clinical testing. Allele origin: germline.
Comment: This sequence change affects codon 737 of the TTC21B mRNA. It is a 'silent' change, meaning that it does not change the encoded amino acid sequence of the TTC21B protein. This variant also falls at the last nucleotide of exon 16, which is part of the consensus splice site for this exon. This variant is not present in population databases (gnomAD no frequency). This variant has not been reported in the literature in individuals affected with TTC21B-related conditions. Variants that disrupt the consensus splice site are a relatively common cause of aberrant splicing (PMID: 17576681, 9536098). Algorithms developed to predict the effect of sequence changes on RNA splicing suggest that this variant may disrupt the consensus splice site. In summary, the available evidence is currently insufficient to determine the role of this variant in disease. Therefore, it has been classified as a Variant of Uncertain Significance.

Literature cited by the submitters: PubMed 17576681; PubMed 9536098.

NM_024753.5(TTC21B):c.2211G>A (p.Glu737=)

Gene: TTC21B (tetratricopeptide repeat domain 21B; minus strand). Cytogenetic location: 2q24.3.
Variant type: single nucleotide variant.
Coding change: c.2211G>A on transcript NM_024753.5 (MANE Select); coding-DNA position 2211, G replaced by A.
Protein change: p.Glu737=; no amino-acid change (glutamic acid 737 retained).
Molecular consequence: synonymous variant.
Genome position (GRCh38, 1-based): chr2:165,913,574, C>T on the plus strand (G>A on the coding strand, the complement: TTC21B is on the minus strand). VCF-style: chr2-165913574-C-T. GRCh37 (hg19) VCF-style: chr2-166770084-C-T.
Identifiers: ClinVar variation 2945975 (VCV002945975.3), dbSNP rs2468171893, ClinGen allele CA429899482.